The following is an entry in ClinVar:

NM_001386298.1(CIC):c.4955A>G (p.His1652Arg)

Gene: CIC (capicua transcriptional repressor; plus strand). Cytogenetic location: 19q13.2.
Variant type: single nucleotide variant.
Coding change: c.4955A>G on transcript NM_001386298.1 (MANE Select); coding-DNA position 4955, A replaced by G.
Protein change: p.His1652Arg; replaces histidine 1652 with arginine.
Molecular consequence: missense variant.
Genome position (GRCh38, 1-based): chr19:42,290,996, A>G. VCF-style: chr19-42290996-A-G. GRCh37 (hg19) VCF-style: chr19-42795148-A-G.
Other names: c.4955A>G, p.His1652Arg (NM_001304815.2, NM_001379480.1, NM_001379482.1 and 1 more transcripts); c.2228A>G, p.His743Arg (NM_001379484.1, NM_001379485.1, NM_015125.5); short protein forms H1652R, H743R.
Identifiers: ClinVar variation 3144967 (VCV003144967.2), dbSNP rs1034489265, ClinGen allele CA308630480.

ClinVar aggregate classification (germline): Uncertain significance. Review status: criteria provided, multiple submitters, no conflicts (2 of 4 stars). 2 submissions from 2 submitters: Uncertain significance (2). Last evaluated 2025-05-12.

Conditions:
Inborn genetic diseases. Identifiers: MedGen C0950123, MeSH D030342.

Allele frequency attached by ClinVar (database versions not stated): gnomAD exomes below 0.00001; gnomAD 0.00001.
gnomAD v4.1: 8 of 1,613,560 alleles (0.0005%); highest among the groups gnomAD compares: Middle Eastern, 0.016%; no homozygotes.

Submissions (2):

Labcorp Genetics (formerly Invitae), Labcorp
Classification: Uncertain significance. Last evaluated: 2025-05-12. Review status: criteria provided, single submitter. Criteria: Invitae Variant Classification Sherloc (09022015). Collection method: clinical testing. Allele origin: germline.
Comment: This sequence change replaces histidine, which is basic and polar, with arginine, which is basic and polar, at codon 743 of the CIC protein (p.His743Arg). This variant is not present in population databases (gnomAD no frequency). This variant has not been reported in the literature in individuals affected with CIC-related conditions. ClinVar contains an entry for this variant (Variation ID: 3144967). An algorithm developed to predict the effect of missense changes on protein structure and function (PolyPhen-2) suggests that this variant is likely to be disruptive. In summary, the available evidence is currently insufficient to determine the role of this variant in disease. Therefore, it has been classified as a Variant of Uncertain Significance.

Ambry Genetics
Classification: Uncertain significance for Inborn genetic diseases. Last evaluated: 2023-12-27. Review status: criteria provided, single submitter. Criteria: Ambry Variant Classification Scheme 2023. Collection method: clinical testing. Allele origin: germline.